The following is an entry in ClinVar:

NM_198075.4(LRRC56):c.53_55del (p.Val18_Arg19delinsGly)

Gene: LRRC56 (leucine rich repeat containing 56; plus strand). Cytogenetic location: 11p15.5.
Variant type: Deletion.
Coding change: c.53_55del on transcript NM_198075.4 (MANE Select); coding-DNA positions 53 to 55, 3 bases deleted (TCC; older notation c.53_55delTCC).
Protein change: p.Val18_Arg19delinsGly.
Molecular consequence: inframe indel.
Genome position (GRCh38, 1-based): chr11:540,737-540,739, TCC deleted. VCF-style (leftmost placement, unchanged base first): chr11-540736-GTCC-G. GRCh37 (hg19) VCF-style: chr11-540736-GTCC-G.
Other names: c.53_55delTCC (NM_198075.4, NM_198075.3).
Identifiers: ClinVar variation 1523693 (VCV001523693.5), dbSNP rs759014538, ClinGen allele CA5779481.

ClinVar aggregate classification (germline): Uncertain significance. Review status: criteria provided, multiple submitters, no conflicts (2 of 4 stars). 4 submissions from 4 submitters: Uncertain significance (4). Last evaluated 2025-09-16.

Conditions:
Ciliary dyskinesia, primary, 39. Also called: CILIARY DYSKINESIA, PRIMARY, 39, WITH OR WITHOUT SITUS INVERSUS. Identifiers: MedGen C4748841, MONDO:0032637, OMIM 618254.
LRRC56-related disorder. Also called: LRRC56-related condition.

Allele frequency attached by ClinVar (database versions not stated): gnomAD 0.00021; gnomAD exomes 0.00021 and 0.00033; ExAC 0.00025; TOPMed 0.00030; ESP Exome Variant Server 0.00032.

Submissions (4):

PreventionGenetics, part of Exact Sciences
Classification: Uncertain significance for LRRC56-related condition. Last evaluated: 2025-09-16. Review status: criteria provided, single submitter. Criteria: ACMG Guidelines, 2015. Collection method: clinical testing. Allele origin: germline.
Comment: The LRRC56 c.53_55delTCC variant is predicted to result in an in-frame deletion (p.Val18_Arg19delinsGly). To our knowledge, this variant has not been reported in the literature. This variant is reported in 0.036% of alleles in individuals of European (Non-Finnish) descent in gnomAD. At this time, the clinical significance of this variant is uncertain due to the absence of conclusive functional and genetic evidence.

Blueprint Genetics
Classification: Uncertain significance. Last evaluated: 2024-10-07. Review status: criteria provided, single submitter. Criteria: ACMG Guidelines, 2015. Collection method: clinical testing. Allele origin: germline.

Genetics and Molecular Pathology, SA Pathology
Classification: Uncertain significance for Ciliary dyskinesia, primary, 39. Last evaluated: 2023-06-02. Review status: criteria provided, single submitter. Criteria: ACMG Guidelines, 2015. Collection method: clinical testing. Allele origin: germline. Inheritance: Autosomal recessive inheritance. Affected: yes.
Comment: The LRRC56 c.53_55del variant is classified as a VUS (PM4) The LRRC56 c.53_55del variant results in an inframe deletion in exon 4/14. It is predicted to alter the length of the protein produced by this gene due to an inframe deletion variant in a nonrepeat region (PM4). The variant is rare in population databases (gnomAD allele frequency = 0.021%; 32 het and 0 hom in 152,186 sequenced alleles). The variant has been reported in dbSNP (rs759014538) and has been reported as Uncertain significance by other diagnostic laboratories (ClinVar Variation ID: 1523693). It has not been reported in HGMD (2023.1) or the scientific literature to date.

Labcorp Genetics (formerly Invitae), Labcorp
Classification: Uncertain significance. Last evaluated: 2022-07-15. Review status: criteria provided, single submitter. Criteria: Invitae Variant Classification Sherloc (09022015). Collection method: clinical testing. Allele origin: germline.
Comment: This variant, c.53_55del, is a complex sequence change that results in the deletion of 2 and insertion of 1 amino acid(s) in the LRRC56 protein (p.Val18_Arg19delinsGly). This variant is present in population databases (rs759014538, gnomAD 0.04%). This variant has not been reported in the literature in individuals affected with LRRC56-related conditions. ClinVar contains an entry for this variant (Variation ID: 1523693). Experimental studies and prediction algorithms are not available or were not evaluated, and the functional significance of this variant is currently unknown. In summary, the available evidence is currently insufficient to determine the role of this variant in disease. Therefore, it has been classified as a Variant of Uncertain Significance.